The following is an entry in ClinVar:

NM_015238.3(WWC1):c.2550T>C (p.Asn850=)

Gene: WWC1 (WW and C2 domain containing 1; plus strand). Cytogenetic location: 5q34.
Variant type: single nucleotide variant.
Coding change: c.2550T>C on transcript NM_015238.3 (MANE Select); coding-DNA position 2550, T replaced by C.
Protein change: p.Asn850=; no amino-acid change (asparagine 850 retained).
Molecular consequence: synonymous variant.
Genome position (GRCh38, 1-based): chr5:168,453,992, T>C. VCF-style: chr5-168453992-T-C. GRCh37 (hg19) VCF-style: chr5-167880997-T-C.
Other names: c.2550T>C, p.Asn850= (NM_001161661.2, NM_001161662.2).
Identifiers: ClinVar variation 2656038 (VCV002656038.24), dbSNP rs148648959, ClinGen allele CA3549144.

ClinVar aggregate classification (germline): Benign (1 of 4 stars; one submission).

Allele frequency attached by ClinVar (database versions not stated): 1000 Genomes Project 0.00260; 1000 Genomes Project 30x 0.00265; ExAC 0.00645; gnomAD 0.00724; TOPMed 0.00736; ESP Exome Variant Server 0.00923; gnomAD exomes 0.01134.
gnomAD v4.1: 17,555 of 1,611,476 alleles (1.1%); highest among the groups gnomAD compares: Non-Finnish European, 1.3%; 132 homozygotes.

Submission:

CeGaT Center for Human Genetics Tuebingen
Classification: Benign. Last evaluated: 2023-09-01. Review status: criteria provided, single submitter. Criteria: CeGaT Center For Human Genetics Tuebingen Variant Classification Criteria Version 2. Collection method: clinical testing. Allele origin: germline. Affected: yes. Observed: 1 variant allele.
Comment: WWC1: BP4, BP7, BS1, BS2